The following is an entry in ClinVar:

NM_170707.4(LMNA):c.1968G>T (p.Gln656His)

Gene: LMNA (lamin A/C; plus strand). Cytogenetic location: 1q22.
Variant type: single nucleotide variant.
Coding change: c.1968G>T on transcript NM_170707.4 (MANE Select); coding-DNA position 1968, G replaced by T.
Protein change: p.Gln656His; replaces glutamine 656 with histidine.
Molecular consequence: missense variant. On other transcripts: intron variant (1).
Genome position (GRCh38, 1-based): chr1:156,138,757, G>T. VCF-style: chr1-156138757-G-T. GRCh37 (hg19) VCF-style: chr1-156108548-G-T.
Other names: c.1968G>T, p.Gln656His (NM_001406983.1, NM_001406985.1, NM_001406991.1); c.1725G>T, p.Gln575His (NM_001406986.1, NM_001406987.1); c.1671G>T, p.Gln557His (NM_001406988.1); c.1632G>T, p.Gln544His (NM_001406989.1, NM_001257374.3); c.1410G>T, p.Gln470His (NM_001406990.1, NM_001406995.1, NM_001406996.1 and 2 more transcripts); c.1344G>T, p.Gln448His (NM_001406999.1, NM_001406994.1, NM_001407000.1 and 1 more transcripts); c.1878G>T, p.Gln626His (NM_170708.4); c.1818+150G>T (NM_001282626.2); short protein forms Q448H, Q470H, Q544H, Q557H, Q575H, Q626H, Q656H.
Identifiers: ClinVar variation 3385375 (VCV003385375.1).
Genomic context (GRCh38, chr1:156,138,757, plus strand): 5'-CTTCGGGGACAATCTGGTCACCCGCTCCTACCTCCTGGGCAACTCCAGCCCCCGAACCCA[G>T]GTGAGTTGTCTCTGCTTTGTCTCCAAATCCTGCAGGCGGGTCCCTGGTCATCGAGGGGTA-3'
Protein context (NP_733821.1, residues 646-664): YLLGNSSPRT[Gln656His]SPQNCSIM

ClinVar aggregate classification (germline): Likely pathogenic (1 of 4 stars; one submission).

Conditions:
Hutchinson-Gilford syndrome (HGPS). Also called: Hutchinson-Gilford Progeria Syndrome. Identifiers: Orphanet 740, MedGen C0033300, MONDO:0008310, OMIM 176670.

Submission:

Department of Medical Genetics, Sanjay Gandhi Post Graduate Institute of Medical Sciences
Classification: Likely pathogenic for Hutchinson-Gilford syndrome. Review status: criteria provided, single submitter. Criteria: ACMG Guidelines, 2015. Collection method: research. Allele origin: de novo. Inheritance: Autosomal dominant inheritance. Affected: yes. Observed: 1 heterozygote.
Comment: This variant is absent in population databases (gnomAD). The variant is located in the mutational hotspot region. A different nucleotide change at c.1968 has been previously reported to cause splicing effect (PMID: 25649378). The variant c.1968G>T is predicted deleterious by in-silico tools (varSEAK and SpliceAI).